The following is an entry in ClinVar:

NM_001039958.2(MESP2):c.345C>G (p.Ala115=)

Genes: MESP2 (mesoderm posterior bHLH transcription factor 2; plus strand), LOC130057891 (ATAC-STARR-seq lymphoblastoid silent region 6806; plus strand). Cytogenetic location: 15q26.1.
Variant type: single nucleotide variant.
Coding change: c.345C>G on transcript NM_001039958.2 (MANE Select); coding-DNA position 345, C replaced by G.
Protein change: p.Ala115=; no amino-acid change (alanine 115 retained).
Molecular consequence: synonymous variant.
Genome position (GRCh38, 1-based): chr15:89,776,702, C>G. VCF-style: chr15-89776702-C-G. GRCh37 (hg19) VCF-style: chr15-90319933-C-G.
Other names: c.345C>G (NM_001039958.1).
Identifiers: ClinVar variation 1112626 (VCV001112626.10), dbSNP rs758214625, ClinGen allele CA7730403.

ClinVar aggregate classification (germline): Likely benign. Review status: criteria provided, single submitter (1 of 4 stars). 2 submissions from 2 submitters: Likely benign (1). 1 of the submissions does not count toward it. Last evaluated 2022-08-20.

Conditions:
MESP2-related disorder. Also called: MESP2-related condition.

Submissions (2):

Labcorp Genetics (formerly Invitae), Labcorp
Classification: Likely benign. Last evaluated: 2022-08-20. Review status: criteria provided, single submitter. Criteria: Invitae Variant Classification Sherloc (09022015). Collection method: clinical testing. Allele origin: germline.

PreventionGenetics, part of Exact Sciences
Classification: Likely benign for MESP2-related condition. Last evaluated: 2024-05-06. Review status: no assertion criteria provided. Collection method: clinical testing. Allele origin: germline. Not counted in ClinVar's aggregate classification.
Comment: This variant is classified as likely benign based on ACMG/AMP sequence variant interpretation guidelines (Richards et al. 2015 PMID: 25741868, with internal and published modifications).